The following is an entry in ClinVar:

NM_000090.4(COL3A1):c.1108G>A (p.Glu370Lys)

Gene: COL3A1 (collagen type III alpha 1 chain; plus strand). Cytogenetic location: 2q32.2.
Variant type: single nucleotide variant.
Coding change: c.1108G>A on transcript NM_000090.4 (MANE Select); coding-DNA position 1108, G replaced by A.
Protein change: p.Glu370Lys; replaces glutamic acid 370 with lysine.
Molecular consequence: missense variant.
Genome position (GRCh38, 1-based): chr2:188,993,418, G>A. VCF-style: chr2-188993418-G-A. GRCh37 (hg19) VCF-style: chr2-189858144-G-A.
Other names: short protein forms E370K.
Identifiers: ClinVar variation 3070656 (VCV003070656.1), dbSNP rs1245667748, ClinGen allele CA349850955.

ClinVar aggregate classification (germline): Uncertain significance (1 of 4 stars; one submission).

Conditions:
Ehlers-Danlos syndrome, type 4 (EDSVASC). Also called: Ehlers-Danlos Syndrome Type IV; Ehlers-Danlos syndrome vascular type; Ehlers Danlos syndrome, ecchymotic type; Ehlers Danlos syndrome, arterial type; Ehlers Danlos syndrome, Sack-Barabas type. Identifiers: Orphanet 286, MedGen C0268338, MONDO:0017314, OMIM 130050.

Allele frequency attached by ClinVar (database versions not stated): TOPMed below 0.00001; gnomAD 0.00001.

Submission:

All of Us Research Program, National Institutes of Health
Classification: Uncertain significance for Ehlers-Danlos syndrome, type 4. Last evaluated: 2023-05-04. Review status: criteria provided, single submitter. Criteria: ACMG Guidelines, 2015. Collection method: clinical testing. Allele origin: germline. Inheritance: Autosomal dominant inheritance. Observed: 1 variant allele, 1 heterozygote.
Comment: This missense variant replaces glutamic acid with lysine at codon 370 of the COL3A1 protein. Computational prediction is inconclusive regarding the impact of this variant on protein structure and function (internally defined REVEL score threshold 0.5 < inconclusive < 0.7, PMID: 27666373). To our knowledge, functional studies have not been reported for this variant. This variant has not been reported in individuals affected with COL3A1-related disorders in the literature. This variant has not been identified in the general population by the Genome Aggregation Database (gnomAD). The available evidence is insufficient to determine the role of this variant in disease conclusively. Therefore, this variant is classified as a Variant of Uncertain Significance.

This study involves interpretation of variants in research participants for the purpose of population health screening. Participant phenotype was not available at the time of variant classification. Additional details can be found in publication PMID: 35346344, PMCID: PMC8962531